The following is an entry in ClinVar:

ClinVar aggregate classification (germline): Uncertain significance (1 of 4 stars; one submission).

Submission:

GeneDx
Classification: Uncertain significance. Last evaluated: 2025-01-14. Review status: criteria provided, single submitter. Criteria: GeneDx Variant Classification Process June 2021. Collection method: clinical testing. Allele origin: germline. Affected: yes.
Comment: In-frame insertion of 1 amino acid(s) in a non-repeat region; Has not been previously published as pathogenic or benign to our knowledge

NM_003070.5(SMARCA2):c.691_692insCGC (p.Gln230_Gln231insPro)

Gene: SMARCA2 (SWI/SNF related BAF chromatin remodeling complex subunit ATPase 2; plus strand). Cytogenetic location: 9p24.3.
Variant type: Insertion.
Coding change: c.691_692insCGC on transcript NM_003070.5 (MANE Select); coding-DNA positions 691 to 692, CGC inserted.
Protein change: p.Gln230_Gln231insPro.
Molecular consequence: inframe insertion.
Genome position: GRCh38 VCF-style: chr9-2039799-A-AGCC. GRCh37 (hg19) VCF-style: chr9-2039799-A-AGCC.
Other names: c.691_692insCGC, p.Gln230_Gln231insPro (NM_001289396.2, NM_001289397.2, NM_139045.4).
Identifiers: ClinVar variation 4056961 (VCV004056961.1).